The following is an entry in ClinVar:

ClinVar aggregate classification (germline): Conflicting classifications of pathogenicity. Review status: criteria provided, conflicting classifications (1 of 4 stars). 3 submissions from 3 submitters: Uncertain significance (1); Likely benign (2). Last evaluated 2026-01-08.

Conditions:
Bethlem myopathy 1A. Also called: Bethlem myopathy 1; MYOPATHY, BENIGN CONGENITAL, WITH CONTRACTURES; Bethlem Muscular Dystrophy. Identifiers: Orphanet 610, MedGen CN029274, MONDO:0024530, OMIM 158810.

Allele frequency attached by ClinVar (database versions not stated): gnomAD exomes 0.00001; ExAC 0.00002; ESP Exome Variant Server 0.00008; TOPMed 0.00010; gnomAD 0.00011 and 0.00012.
gnomAD v4.1: 23 of 1,614,120 alleles (0.0014%); highest among the groups gnomAD compares: African/African-American, 0.023%; no homozygotes.

Submissions (3):

Labcorp Genetics (formerly Invitae), Labcorp
Classification: Likely benign for Bethlem myopathy 1A. Last evaluated: 2026-01-08. Review status: criteria provided, single submitter. Criteria: Invitae Variant Classification Sherloc (09022015). Collection method: clinical testing. Allele origin: germline.

GeneDx
Classification: Likely benign. Last evaluated: 2018-04-25. Review status: criteria provided, single submitter. Criteria: GeneDx Variant Classification (06012015). Collection method: clinical testing. Allele origin: germline. Affected: yes.
Comment: This variant is considered likely benign or benign based on one or more of the following criteria: it is a conservative change, it occurs at a poorly conserved position in the protein, it is predicted to be benign by multiple in silico algorithms, and/or has population frequency not consistent with disease.

Eurofins Ntd Llc (ga)
Classification: Uncertain significance. Last evaluated: 2015-11-03. Review status: criteria provided, single submitter. Criteria: EGL Classification Definitions 2015. Collection method: clinical testing. Allele origin: germline. Observed: 1 variant allele, 1 heterozygote.

NM_004369.4(COL6A3):c.843G>T (p.Val281=)

Gene: COL6A3 (collagen type VI alpha 3 chain; minus strand). Cytogenetic location: 2q37.3.
Variant type: single nucleotide variant.
Coding change: c.843G>T on transcript NM_004369.4 (MANE Select); coding-DNA position 843, G replaced by T.
Protein change: p.Val281=; no amino-acid change (valine 281 retained).
Molecular consequence: synonymous variant. On other transcripts: intron variant (2).
Genome position (GRCh38, 1-based): chr2:237,388,051, C>A on the plus strand (G>T on the coding strand, the complement: COL6A3 is on the minus strand). VCF-style: chr2-237388051-C-A. GRCh37 (hg19) VCF-style: chr2-238296694-C-A.
Other names: c.225G>T, p.Val75= (NM_057165.5, NM_057167.4); c.92-6552G>T (NM_057166.5, NM_057164.5).
Identifiers: ClinVar variation 284123 (VCV000284123.16), dbSNP rs376201065, ClinGen allele CA2189765.
Genomic context (GRCh38, chr2:237,388,051, plus strand): 5'-GGTGGAGTAGGTGTCCAAGGAGAACATGGTTCTGGGCTCATCGCTAAACTGGACCACCCC[C>A]ACTCGGATCTGCTGAGTTCCAATTGGGAGTTTCTCAAGGAGATTTACAAGGAAGTCGAGA-3'
Protein context (NP_004360.2, residues 271-291): KLPIGTQQIR[Val281=]GVVQFSDEPR